The following is an entry in ClinVar:

ClinVar aggregate classification (germline): Conflicting classifications of pathogenicity. Review status: criteria provided, conflicting classifications (1 of 4 stars). 10 submissions from 10 submitters: Uncertain significance (8); Likely benign (2). Last evaluated 2026-10-01.

Conditions:
Inborn genetic diseases. Identifiers: MedGen C0950123, MeSH D030342.
Autosomal recessive nonsyndromic hearing loss 30. Identifiers: Orphanet 90636, MedGen C1846784, MONDO:0011774, OMIM 607101.

Allele frequency attached by ClinVar (database versions not stated): 1000 Genomes Project 30x 0.00016; 1000 Genomes Project 0.00020; ESP Exome Variant Server 0.00046; gnomAD exomes 0.00061 and 0.00100; TOPMed 0.00069; ExAC 0.00070; gnomAD 0.00074 and 0.00078.
gnomAD v4.1: 1,584 of 1,614,116 alleles (0.098%); highest among the groups gnomAD compares: Non-Finnish European, 0.12%; 2 homozygotes.

Submissions (10):

CeGaT Center for Human Genetics Tuebingen
Classification: Likely benign. Last evaluated: 2026-10-01. Review status: criteria provided, single submitter. Criteria: CeGaT Center For Human Genetics Tuebingen Variant Classification Criteria Version 2. Collection method: clinical testing. Allele origin: germline. Affected: yes. Observed: 2 variant alleles.
Comment: MYO3A: BP4, BS1:Supporting

Labcorp Genetics (formerly Invitae), Labcorp
Classification: Uncertain significance. Last evaluated: 2026-01-26. Review status: criteria provided, single submitter. Criteria: Invitae Variant Classification Sherloc (09022015). Collection method: clinical testing. Allele origin: germline.
Comment: This sequence change replaces glutamic acid, which is acidic and polar, with lysine, which is basic and polar, at codon 1180 of the MYO3A protein (p.Glu1180Lys). This variant is present in population databases (rs184043065, gnomAD 0.1%), and has an allele count higher than expected for a pathogenic variant. This variant has not been reported in the literature in individuals affected with MYO3A-related conditions. ClinVar contains an entry for this variant (Variation ID: 178468). Invitae Evidence Modeling of protein sequence and biophysical properties (such as structural, functional, and spatial information, amino acid conservation, physicochemical variation, residue mobility, and thermodynamic stability) indicates that this missense variant is not expected to disrupt MYO3A protein function with a negative predictive value of 80%. In summary, the available evidence is currently insufficient to determine the role of this variant in disease. Therefore, it has been classified as a Variant of Uncertain Significance.

Ambry Genetics
Classification: Uncertain significance for Inborn genetic diseases. Last evaluated: 2025-12-15. Review status: criteria provided, single submitter. Criteria: Ambry Variant Classification Scheme 2023. Collection method: clinical testing. Allele origin: germline.

Blueprint Genetics
Classification: Uncertain significance. Last evaluated: 2024-06-06. Review status: criteria provided, single submitter. Criteria: ACMG Guidelines, 2015. Collection method: clinical testing. Allele origin: germline.

ARUP Laboratories, Molecular Genetics and Genomics, ARUP Laboratories
Classification: Uncertain significance for Autosomal recessive nonsyndromic hearing loss 30. Last evaluated: 2022-05-05. Review status: criteria provided, single submitter. Criteria: ARUP Molecular Germline Variant Investigation Process 2021. Collection method: clinical testing. Allele origin: germline.
Comment: The MYO3A c.3538G>A; p.Glu1180Lys variant (rs184043065), to our knowledge, is not reported in the medical literature but is reported in ClinVar (Variation ID: 178468). This variant is found in the non-Finnish European population with an allele frequency of 0.098% (126/129,020 alleles) in the Genome Aggregation Database. The glutamic acid at codon 1180 is weakly conserved, and computational analyses predict that this variant is neutral (REVEL: 0.131). Due to limited information, the clinical significance of the p.Glu1180Lys variant is uncertain at this time.

Department of Pathology and Laboratory Medicine, Sinai Health System
Classification: Uncertain significance for Autosomal recessive nonsyndromic hearing loss 30. Last evaluated: 2021-07-30. Review status: criteria provided, single submitter. Criteria: ACMG Guidelines, 2015. Collection method: research. Allele origin: germline.

GeneDx
Classification: Uncertain significance. Last evaluated: 2021-05-03. Review status: criteria provided, single submitter. Criteria: GeneDx Variant Classification Process June 2021. Collection method: clinical testing. Allele origin: germline. Affected: yes.
Comment: In silico analysis supports that this missense variant does not alter protein structure/function; Has not been previously published as pathogenic or benign to our knowledge

Illumina Laboratory Services, Illumina
Classification: Uncertain significance for Autosomal recessive nonsyndromic hearing loss 30. Last evaluated: 2018-01-12. Review status: criteria provided, single submitter. Criteria: ICSL Variant Classification Criteria 13 December 2019. Collection method: clinical testing. Allele origin: germline.

Eurofins Ntd Llc (ga)
Classification: Uncertain significance. Last evaluated: 2016-04-29. Review status: criteria provided, single submitter. Criteria: EGL Classification Definitions 2015. Collection method: clinical testing. Allele origin: germline. Observed: 1 variant allele, 1 heterozygote.

Laboratory for Molecular Medicine, Mass General Brigham Personalized Medicine
Classification: Likely benign. Last evaluated: 2016-02-04. Review status: criteria provided, single submitter. Criteria: LMM Criteria. Collection method: clinical testing. Allele origin: germline. Observed: 3 variant alleles.
Comment: p.Glu1180Lys in exon 30 of MYO3A: This variant is not expected to have clinical significance because it has been identified in 0.2% (10/6614) of Finnish chromos omes and in 0.1% (69/66376) of European chromosomes by the Exome Aggregation Con sortium (ExAC; dbSNP rs184043065). In addition, the glutamine (Glu) residue at position 1180 is not conserved across species an d computational analyses (biochemical amino acid properties, AlignGVGD, PolyPhe n2, and SIFT) suggest that the Glu1180Lys variant may not impact the protein. Of note, horse has a lysine (Lys) at this position.

NM_017433.5(MYO3A):c.3538G>A (p.Glu1180Lys)

Gene: MYO3A (myosin IIIA; plus strand). Cytogenetic location: 10p12.1.
Variant type: single nucleotide variant.
Coding change: c.3538G>A on transcript NM_017433.5 (MANE Select); coding-DNA position 3538, G replaced by A.
Protein change: p.Glu1180Lys; replaces glutamic acid 1180 with lysine.
Molecular consequence: missense variant.
Genome position (GRCh38, 1-based): chr10:26,173,802, G>A. VCF-style: chr10-26173802-G-A. GRCh37 (hg19) VCF-style: chr10-26462731-G-A.
Other names: short protein forms E1180K.
Identifiers: ClinVar variation 178468 (VCV000178468.38), dbSNP rs184043065, ClinGen allele CA182390.